The following is an entry in ClinVar:

ClinVar aggregate classification (germline): Uncertain significance (1 of 4 stars; one submission).

Conditions:
Congenital myopathy with internal nuclei and atypical cores. Also called: Myopathy, centronuclear, 4. Identifiers: Orphanet 319160, MedGen C4707232, MONDO:0013890, OMIM 614807.

Submission:

Labcorp Genetics (formerly Invitae), Labcorp
Classification: Uncertain significance for Congenital myopathy with internal nuclei and atypical cores. Last evaluated: 2024-05-07. Review status: criteria provided, single submitter. Criteria: Invitae Variant Classification Sherloc (09022015). Collection method: clinical testing. Allele origin: germline.
Comment: This sequence change falls in intron 9 of the CCDC78 gene. It does not directly change the encoded amino acid sequence of the CCDC78 protein. It affects a nucleotide within the consensus splice site. This variant is not present in population databases (gnomAD no frequency). This variant has not been reported in the literature in individuals affected with CCDC78-related conditions. Variants that disrupt the consensus splice site are a relatively common cause of aberrant splicing (PMID: 17576681, 9536098). Algorithms developed to predict the effect of sequence changes on RNA splicing suggest that this variant is not likely to affect RNA splicing. In summary, the available evidence is currently insufficient to determine the role of this variant in disease. Therefore, it has been classified as a Variant of Uncertain Significance.

Literature cited by the submitters: PubMed 17576681; PubMed 9536098.

NM_001378030.1(CCDC78):c.953+6C>T

Gene: CCDC78 (coiled-coil domain containing 78; minus strand). Cytogenetic location: 16p13.3.
Variant type: single nucleotide variant.
Coding change: c.953+6C>T on transcript NM_001378030.1 (MANE Select); 6 bases into the intron after coding-DNA position 953, C replaced by T.
Molecular consequence: intron variant.
Genome position (GRCh38, 1-based): chr16:724,316, G>A on the plus strand (C>T on the coding strand, the complement: CCDC78 is on the minus strand). VCF-style: chr16-724316-G-A. GRCh37 (hg19) VCF-style: chr16-774316-G-A.
Other names: c.386+6C>T (NM_001378033.1); c.953+6C>T (NM_001378031.1, NM_001031737.3).
Identifiers: ClinVar variation 3611596 (VCV003611596.2).
Genomic context (GRCh38, chr16:724,316, plus strand): 5'-GCCTTTGAGGCACAGAGGCTTAGAGACCCACAGATGCCTGACACCTCCCATCCCAGCGGG[G>A]CCCACCTGTAGGCAACCAGTAGCTCTTCATGCCTGCGGCTCAGATCCACCAGCCTCTTGT-3'